The following is an entry in ClinVar:

ClinVar aggregate classification (germline): Uncertain significance (1 of 4 stars; one submission).

Conditions:
Hereditary nonpolyposis colorectal neoplasms. Identifiers: MedGen C0009405, MeSH D003123.

Submission:

Labcorp Genetics (formerly Invitae), Labcorp
Classification: Uncertain significance for Hereditary nonpolyposis colorectal neoplasms. Last evaluated: 2021-03-24. Review status: criteria provided, single submitter. Criteria: Invitae Variant Classification Sherloc (09022015). Collection method: clinical testing. Allele origin: germline.
Comment: Advanced modeling of protein sequence and biophysical properties (such as structural, functional, and spatial information, amino acid conservation, physicochemical variation, residue mobility, and thermodynamic stability) performed at Invitae indicates that this missense variant is expected to disrupt MSH6 protein function. This variant disrupts the p.Leu449 amino acid residue in MSH6. Other variant(s) that disrupt this residue have been determined to be pathogenic (PMID: 16283884, 23621914). This suggests that this residue is clinically significant, and that variants that disrupt this residue are likely to be disease-causing. In summary, the available evidence is currently insufficient to determine the role of this variant in disease. Therefore, it has been classified as a Variant of Uncertain Significance. This variant has not been reported in the literature in individuals with MSH6-related conditions. This variant is not present in population databases (ExAC no frequency). This sequence change replaces leucine with methionine at codon 449 of the MSH6 protein (p.Leu449Met). The leucine residue is highly conserved and there is a small physicochemical difference between leucine and methionine.

Literature cited by the submitters: PubMed 16283884; PubMed 23621914.

NM_000179.3(MSH6):c.1345C>A (p.Leu449Met)

Gene: MSH6 (mutS homolog 6; plus strand). Cytogenetic location: 2p16.3.
Variant type: single nucleotide variant.
Coding change: c.1345C>A on transcript NM_000179.3 (MANE Select); coding-DNA position 1345, C replaced by A.
Protein change: p.Leu449Met; replaces leucine 449 with methionine.
Molecular consequence: missense variant.
Genome position (GRCh38, 1-based): chr2:47,799,328, C>A. VCF-style: chr2-47799328-C-A. GRCh37 (hg19) VCF-style: chr2-48026467-C-A.
Other names: c.955C>A, p.Leu319Met (NM_001281492.2); c.439C>A, p.Leu147Met (NM_001281493.2, NM_001281494.2); short protein forms L147M, L449M, L319M.
Identifiers: ClinVar variation 1519149 (VCV001519149.8), dbSNP rs3136333, ClinGen allele CA346744609.